The following is an entry in ClinVar:

ClinVar aggregate classification (germline): Pathogenic (1 of 4 stars; one submission).

Conditions:
Congenital myasthenic syndrome 4A. Also called: Myasthenic syndrome, congenital, 4a, slow-channel; CONGENITAL MYASTHENIC SYNDROME TYPE Ia1; MYASTHENIC SYNDROME, CONGENITAL, 4A, SLOW-CHANNEL, AUTOSOMAL RECESSIVE. Identifiers: Orphanet 590, MedGen C4225413, MONDO:0011600, OMIM 605809.

Submission:

Labcorp Genetics (formerly Invitae), Labcorp
Classification: Pathogenic for Congenital myasthenic syndrome 4A. Last evaluated: 2023-10-12. Review status: criteria provided, single submitter. Criteria: Invitae Variant Classification Sherloc (09022015). Collection method: clinical testing. Allele origin: unknown.
Comment: This variant is a gross deletion of the genomic region encompassing exon(s) 2-8 of the CHRNE gene. This deletion is out-of-frame, and is expected to create a premature termination codon and result in an absent or disrupted protein product. Loss-of-function variants in CHRNE are known to be pathogenic (PMID: 22678886). This variant has not been reported in the literature in individuals affected with CHRNE-related conditions. For these reasons, this variant has been classified as Pathogenic.

Literature cited by the submitters: PubMed 22678886.

NC_000017.10:g.(?_4804068)_(4806078_?)del

Genes: C17orf107 (chromosome 17 open reading frame 107; plus strand), CHRNE (cholinergic receptor nicotinic epsilon subunit; minus strand). Cytogenetic location: 17p13.2.
Variant type: Deletion.
Identifiers: ClinVar variation 3243045 (VCV003243045.1).